The following is an entry in ClinVar:

NM_014714.4(IFT140):c.1327G>A (p.Asp443Asn)

Genes: IFT140 (intraflagellar transport 140; minus strand), LOC105371046 (uncharacterized LOC105371046; plus strand). Cytogenetic location: 16p13.3.
Variant type: single nucleotide variant.
Coding change: c.1327G>A on transcript NM_014714.4 (MANE Select); coding-DNA position 1327, G replaced by A.
Protein change: p.Asp443Asn; replaces aspartic acid 443 with asparagine.
Molecular consequence: missense variant.
Genome position (GRCh38, 1-based): chr16:1,584,249, C>T on the plus strand (G>A on the coding strand, the complement: IFT140 is on the minus strand). VCF-style: chr16-1584249-C-T. GRCh37 (hg19) VCF-style: chr16-1634250-C-T.
Other names: short protein forms D443N.
Identifiers: ClinVar variation 961914 (VCV000961914.9), dbSNP rs538562131, ClinGen allele CA7814367.
Genomic context (GRCh38, chr16:1,584,249, plus strand): 5'-CCCACCCACGGGTCCCCTCGGCAGTCACCTTGGTGGCAAACACTCCACTGATGTGCATGT[C>T]GGTGCGCAGGCTGTGTGCGACCCCCGTGGACAGGAAGCACACATTCAGCAGACTCGGGGA-3'
Protein context (NP_055529.2, residues 433-453): STGVAHSLRT[Asp443Asn]MHISGVFATK

ClinVar aggregate classification (germline): Uncertain significance. Review status: criteria provided, multiple submitters, no conflicts (2 of 4 stars). 3 submissions from 3 submitters: Uncertain significance (3). Last evaluated 2026-06-20.

Conditions:
IFT140-related disorder. Also called: IFT140-related condition.
Saldino-Mainzer syndrome (SRTD9). Also called: SHORT-RIB THORACIC DYSPLASIA 9 WITHOUT POLYDACTYLY; short-rib thoracic dysplasia 9 with or without polydactyly; CONORENAL SYNDROME; Renal dysplasia, retinal pigmentary dystrophy, cerebellar ataxia and skeletal dysplasia. Identifiers: Orphanet 140969, MedGen C1849437, MONDO:0009964, OMIM 266920.

Allele frequency attached by ClinVar (database versions not stated): ExAC 0.00004; gnomAD 0.00005 and 0.00006; gnomAD exomes 0.00005 and 0.00009; TOPMed 0.00006.

Submissions (3):

PreventionGenetics, part of Exact Sciences
Classification: Uncertain significance for IFT140-related condition. Last evaluated: 2026-06-20. Review status: criteria provided, single submitter. Criteria: ACMG Guidelines, 2015. Collection method: clinical testing. Allele origin: germline.
Comment: The IFT140 c.1327G>A variant is predicted to result in the amino acid substitution p.Asp443Asn. To our knowledge, this variant has not been reported in the literature. This variant is reported in 0.0088% of alleles in individuals of European (Non-Finnish) descent in gnomAD. At this time, the clinical significance of this variant is uncertain due to the absence of conclusive functional and genetic evidence.

Labcorp Genetics (formerly Invitae), Labcorp
Classification: Uncertain significance for Saldino-Mainzer syndrome. Last evaluated: 2025-07-22. Review status: criteria provided, single submitter. Criteria: Invitae Variant Classification Sherloc (09022015). Collection method: clinical testing. Allele origin: germline.
Comment: This sequence change replaces aspartic acid, which is acidic and polar, with asparagine, which is neutral and polar, at codon 443 of the IFT140 protein (p.Asp443Asn). This variant is present in population databases (rs538562131, gnomAD 0.007%). This variant has not been reported in the literature in individuals affected with IFT140-related conditions. ClinVar contains an entry for this variant (Variation ID: 961914). Invitae Evidence Modeling of protein sequence and biophysical properties (such as structural, functional, and spatial information, amino acid conservation, physicochemical variation, residue mobility, and thermodynamic stability) indicates that this missense variant is not expected to disrupt IFT140 protein function with a negative predictive value of 95%. In summary, the available evidence is currently insufficient to determine the role of this variant in disease. Therefore, it has been classified as a Variant of Uncertain Significance.

Blueprint Genetics
Classification: Uncertain significance. Last evaluated: 2024-10-23. Review status: criteria provided, single submitter. Criteria: ACMG Guidelines, 2015. Collection method: clinical testing. Allele origin: germline.